The following is an entry in ClinVar:

NM_001206927.2(DNAH8):c.1525_1529del (p.Gln509fs)

Gene: DNAH8 (dynein axonemal heavy chain 8; plus strand). Cytogenetic location: 6p21.2.
Variant type: Microsatellite.
Coding change: c.1525_1529del on transcript NM_001206927.2 (MANE Select); coding-DNA positions 1525 to 1529, 5 bases deleted (CAAAT; older notation c.1525_1529delCAAAT).
Protein change: p.Gln509fs; shifts the reading frame from glutamine 509.
Molecular consequence: frameshift variant.
Genome position (GRCh38, 1-based): chr6:38,761,711-38,761,715, CAAAT deleted; deleting any 5 consecutive bases within chr6:38,761,706-38,761,715 gives the same sequence; the c. name uses the placement nearest the transcript's 3' end. VCF-style (leftmost placement, unchanged base first): chr6-38761705-ACAAAT-A. GRCh37 (hg19) VCF-style: chr6-38729481-ACAAAT-A.
Other names: c.874_878del, p.Gln292fs (NM_001371.4); short protein forms Q509fs, Q292fs.
Identifiers: ClinVar variation 4754935 (VCV004754935.1).

ClinVar aggregate classification (germline): Pathogenic (1 of 4 stars; one submission).

Conditions:
Primary ciliary dyskinesia. Also called: Ciliary dyskinesia. Identifiers: Orphanet 244, MedGen C0008780, MONDO:0016575, HP:0012265.

Submission:

Labcorp Genetics (formerly Invitae), Labcorp
Classification: Pathogenic for Primary ciliary dyskinesia. Last evaluated: 2025-06-17. Review status: criteria provided, single submitter. Criteria: Invitae Variant Classification Sherloc (09022015). Collection method: clinical testing. Allele origin: germline.
Comment: This sequence change creates a premature translational stop signal (p.Gln509Glyfs*5) in the DNAH8 gene. It is expected to result in an absent or disrupted protein product. Loss-of-function variants in DNAH8 are known to be pathogenic (PMID: 24307375, 32619401, 32681648). This variant is not present in population databases (gnomAD no frequency). This variant has not been reported in the literature in individuals affected with DNAH8-related conditions. For these reasons, this variant has been classified as Pathogenic.

Literature cited by the submitters: PubMed 24307375; PubMed 32619401; PubMed 32681648.